The following is an entry in ClinVar:

ClinVar aggregate classification (germline): Uncertain significance (1 of 4 stars; one submission).

Conditions:
Atrial fibrillation, familial, 7 (ATFB7). Identifiers: MedGen C2677106, MONDO:0012828, OMIM 612240.

Allele frequency attached by ClinVar (database versions not stated): gnomAD exomes below 0.00001; gnomAD 0.00001.

Submission:

Labcorp Genetics (formerly Invitae), Labcorp
Classification: Uncertain significance for Atrial fibrillation, familial, 7. Last evaluated: 2022-01-06. Review status: criteria provided, single submitter. Criteria: Invitae Variant Classification Sherloc (09022015). Collection method: clinical testing. Allele origin: germline.
Comment: In summary, the available evidence is currently insufficient to determine the role of this variant in disease. Therefore, it has been classified as a Variant of Uncertain Significance. Algorithms developed to predict the effect of missense changes on protein structure and function output the following: SIFT: "Deleterious"; PolyPhen-2: "Benign"; Align-GVGD: "Class C0". The arginine amino acid residue is found in multiple mammalian species, which suggests that this missense change does not adversely affect protein function. This variant has not been reported in the literature in individuals affected with KCNA5-related conditions. This variant is not present in population databases (gnomAD no frequency). This sequence change replaces leucine, which is neutral and non-polar, with arginine, which is basic and polar, at codon 85 of the KCNA5 protein (p.Leu85Arg).

NM_002234.4(KCNA5):c.254T>G (p.Leu85Arg)

Gene: KCNA5 (potassium voltage-gated channel subfamily A member 5; plus strand). Cytogenetic location: 12p13.32.
Variant type: single nucleotide variant.
Coding change: c.254T>G on transcript NM_002234.4 (MANE Select); coding-DNA position 254, T replaced by G.
Protein change: p.Leu85Arg; replaces leucine 85 with arginine.
Molecular consequence: missense variant.
Genome position (GRCh38, 1-based): chr12:5,044,401, T>G. VCF-style: chr12-5044401-T-G. GRCh37 (hg19) VCF-style: chr12-5153567-T-G.
Other names: short protein forms L85R.
Identifiers: ClinVar variation 1896067 (VCV001896067.5), dbSNP rs2137771502, ClinGen allele CA383462190.